The following is an entry in ClinVar:

NM_198525.3(KIF7):c.1108_1114dup (p.Ala372fs)

Gene: KIF7 (kinesin family member 7; minus strand). Cytogenetic location: 15q26.1.
Variant type: Duplication.
Coding change: c.1108_1114dup on transcript NM_198525.3 (MANE Select); coding-DNA positions 1108 to 1114, 7 bases duplicated (AGCGGCG; older notation c.1108_1114dupAGCGGCG).
Protein change: p.Ala372fs; shifts the reading frame from alanine 372.
Molecular consequence: frameshift variant.
Genome position (GRCh38, 1-based): chr15:89,648,584-89,648,590, CGCCGCT duplicated on the plus strand (AGCGGCG on the coding strand, the reverse complement: KIF7 is on the minus strand); duplicating any 7 consecutive bases within chr15:89,648,584-89,648,595 gives the same sequence; the c. name uses the placement nearest the transcript's 3' end. VCF-style (leftmost placement, unchanged base first): chr15-89648583-G-GCGCCGCT. GRCh37 (hg19) VCF-style: chr15-90191814-G-GCGCCGCT.
Other names: short protein forms A372fs.
Identifiers: ClinVar variation 2018067 (VCV002018067.4), dbSNP rs2505495311, ClinGen allele CA2580090406.

ClinVar aggregate classification (germline): Pathogenic (1 of 4 stars; one submission).

Conditions:
Acrocallosal syndrome (ACLS). Also called: HALLUX DUPLICATION, POSTAXIAL POLYDACTYLY, AND ABSENCE OF CORPUS CALLOSUM; Schinzel syndrome 1; Absence of corpus callosum with unusual facial appearance, mental deficiency, duplication of the halluces and polydactyly. Identifiers: Orphanet 36, MedGen C0796147, MONDO:0008708, OMIM 200990.

Submission:

Labcorp Genetics (formerly Invitae), Labcorp
Classification: Pathogenic for Acrocallosal syndrome. Last evaluated: 2022-07-19. Review status: criteria provided, single submitter. Criteria: Invitae Variant Classification Sherloc (09022015). Collection method: clinical testing. Allele origin: germline.
Comment: This variant is not present in population databases (gnomAD no frequency). This sequence change creates a premature translational stop signal (p.Ala372Glufs*93) in the KIF7 gene. It is expected to result in an absent or disrupted protein product. Loss-of-function variants in KIF7 are known to be pathogenic (PMID: 19666503, 21552264, 21633164, 26648833). This variant has not been reported in the literature in individuals affected with KIF7-related conditions. For these reasons, this variant has been classified as Pathogenic.

Literature cited by the submitters: PubMed 19666503; PubMed 21552264; PubMed 21633164; PubMed 26648833.